The following is an entry in ClinVar:

ClinVar aggregate classification (germline): Conflicting classifications of pathogenicity. Review status: criteria provided, conflicting classifications (1 of 4 stars). 3 submissions from 3 submitters: Uncertain significance (2); Likely benign (1). Last evaluated 2025-09-07.

Conditions:
Inborn genetic diseases. Identifiers: MedGen C0950123, MeSH D030342.
Kleefstra syndrome 1 (KLEFS1). Identifiers: Orphanet 261494, MedGen C0795833, MONDO:0027407, OMIM 610253.

Allele frequency attached by ClinVar (database versions not stated): TOPMed 0.00001.
gnomAD v4.1: 12 of 1,612,848 alleles (0.00074%); highest among the groups gnomAD compares: Admixed American, 0.01%; no homozygotes.

Submissions (3):

Labcorp Genetics (formerly Invitae), Labcorp
Classification: Likely benign for Kleefstra syndrome 1. Last evaluated: 2025-09-07. Review status: criteria provided, single submitter. Criteria: Invitae Variant Classification Sherloc (09022015). Collection method: clinical testing. Allele origin: germline.

New York Genome Center
Classification: Uncertain significance for Kleefstra syndrome 1. Last evaluated: 2020-06-19. Review status: criteria provided, single submitter. Criteria: NYGC Assertion Criteria 2020. Collection method: clinical testing. Allele origin: inherited. Observed: 1 heterozygote. Study: CSER-NYCKidSeq.

Ambry Genetics
Classification: Uncertain significance for Inborn genetic diseases. Last evaluated: 2018-08-27. Review status: criteria provided, single submitter. Criteria: Ambry Variant Classification Scheme 2023. Collection method: clinical testing. Allele origin: germline.
Comment: The p.H72Q variant (also known as c.216C>A), located in coding exon 3 of the EHMT1 gene, results from a C to A substitution at nucleotide position 216. The histidine at codon 72 is replaced by glutamine, an amino acid with highly similar properties. This amino acid position is not well conserved in available vertebrate species. In addition, this alteration is predicted to be tolerated by in silico analysis. Since supporting evidence is limited at this time, the clinical significance of this alteration remains unclear.

NM_024757.5(EHMT1):c.216C>A (p.His72Gln)

Gene: EHMT1 (euchromatic histone lysine methyltransferase 1; plus strand). Cytogenetic location: 9q34.3.
Variant type: single nucleotide variant.
Coding change: c.216C>A on transcript NM_024757.5 (MANE Select); coding-DNA position 216, C replaced by A.
Protein change: p.His72Gln; replaces histidine 72 with glutamine.
Molecular consequence: missense variant.
Genome position (GRCh38, 1-based): chr9:137,716,756, C>A. VCF-style: chr9-137716756-C-A. GRCh37 (hg19) VCF-style: chr9-140611208-C-A.
Other names: c.216C>A, p.His72Gln (NM_001145527.2, NM_001354263.2, NM_001354611.2); c.123C>A, p.His41Gln (NM_001354259.2, NM_001354612.2); short protein forms H72Q, H41Q.
Identifiers: ClinVar variation 972356 (VCV000972356.11), dbSNP rs374930132, ClinGen allele CA375763311.
Genomic context (GRCh38, chr9:137,716,756, plus strand): 5'-TGAGACCAATGGGTCTTGTGAAAACAGCGATGCCAGCAGTCATGCAAATGCTGCAAAGCA[C>A]ACTCAGGACAGCGCAAGGGTCAACCCCCAGGATGGCACCAACACACTAACTCGGATAGCG-3'
Protein context (NP_079033.4, residues 62-82): DASSHANAAK[His72Gln]TQDSARVNPQ